The following is an entry in ClinVar:

ClinVar aggregate classification (germline): Likely benign. Review status: criteria provided, multiple submitters, no conflicts (2 of 4 stars). 2 submissions from 2 submitters: Likely benign (2). Last evaluated 2023-11-08.

Allele frequency attached by ClinVar (database versions not stated): gnomAD exomes below 0.00001; TOPMed 0.00002; ExAC 0.00003.
gnomAD v4.1: 6 of 1,607,076 alleles (0.00037%); highest among the groups gnomAD compares: East Asian, 0.013%; no homozygotes.

Submissions (2):

Labcorp Genetics (formerly Invitae), Labcorp
Classification: Likely benign. Last evaluated: 2023-11-08. Review status: criteria provided, single submitter. Criteria: Invitae Variant Classification Sherloc (09022015). Collection method: clinical testing. Allele origin: germline.

CeGaT Center for Human Genetics Tuebingen
Classification: Likely benign. Last evaluated: 2022-07-01. Review status: criteria provided, single submitter. Criteria: CeGaT Center For Human Genetics Tuebingen Variant Classification Criteria Version 2. Collection method: clinical testing. Allele origin: germline. Affected: yes. Observed: 1 variant allele.
Comment: FRAS1: BP4, BP7

NM_025074.7(FRAS1):c.3660G>C (p.Val1220=)

Gene: FRAS1 (Fraser extracellular matrix complex subunit 1; plus strand). Cytogenetic location: 4q21.21.
Variant type: single nucleotide variant.
Coding change: c.3660G>C on transcript NM_025074.7 (MANE Select); coding-DNA position 3660, G replaced by C.
Protein change: p.Val1220=; no amino-acid change (valine 1220 retained).
Molecular consequence: synonymous variant.
Genome position (GRCh38, 1-based): chr4:78,387,386, G>C. VCF-style: chr4-78387386-G-C. GRCh37 (hg19) VCF-style: chr4-79308540-G-C.
Other names: c.3660G>C, p.Val1220= (NM_001166133.2).
Identifiers: ClinVar variation 2654837 (VCV002654837.27), dbSNP rs758575664, ClinGen allele CA2976998.